The following is an entry in ClinVar:

NM_000661.5(RPL9):c.245A>G (p.Lys82Arg)

Gene: RPL9 (ribosomal protein L9; minus strand). Cytogenetic location: 4p14.
Variant type: single nucleotide variant.
Coding change: c.245A>G on transcript NM_000661.5 (MANE Select); coding-DNA position 245, A replaced by G.
Protein change: p.Lys82Arg; replaces lysine 82 with arginine.
Molecular consequence: missense variant.
Genome position (GRCh38, 1-based): chr4:39,457,599, T>C on the plus strand (A>G on the coding strand, the complement: RPL9 is on the minus strand). VCF-style: chr4-39457599-T-C. GRCh37 (hg19) VCF-style: chr4-39459219-T-C.
Other names: c.245A>G, p.Lys82Arg (NM_001024921.4); short protein forms K82R.
Identifiers: ClinVar variation 2828132 (VCV002828132.3), dbSNP rs2474980219, ClinGen allele CA356662510.
Genomic context (GRCh38, chr4:39,457,599, plus strand): 5'-GAGAAACCTCCCTTTCCAAAACAAGGAAGTCTGATACATCTGCTTACCAGTGTAACACCC[T>C]TGATCATGTTCTGTACATGACTACAAATAGTCCGAACGGTAGCCAGTTCCTTTCTGTTAC-3'
Protein context (NP_000652.2, residues 72-92): TICSHVQNMI[Lys82Arg]GVTLGFRYKM

ClinVar aggregate classification (germline): Uncertain significance (1 of 4 stars; one submission).

Submission:

Labcorp Genetics (formerly Invitae), Labcorp
Classification: Uncertain significance. Last evaluated: 2023-01-13. Review status: criteria provided, single submitter. Criteria: Invitae Variant Classification Sherloc (09022015). Collection method: clinical testing. Allele origin: germline.
Comment: In summary, the available evidence is currently insufficient to determine the role of this variant in disease. Therefore, it has been classified as a Variant of Uncertain Significance. Algorithms developed to predict the effect of missense changes on protein structure and function (SIFT, PolyPhen-2, Align-GVGD) all suggest that this variant is likely to be tolerated. This variant has not been reported in the literature in individuals affected with RPL9-related conditions. This variant is not present in population databases (gnomAD no frequency). This sequence change replaces lysine, which is basic and polar, with arginine, which is basic and polar, at codon 82 of the RPL9 protein (p.Lys82Arg).